The following is an entry in ClinVar:

NM_001036.6(RYR3):c.962G>A (p.Arg321Gln)

Gene: RYR3 (ryanodine receptor 3; plus strand). Cytogenetic location: 15q14.
Variant type: single nucleotide variant.
Coding change: c.962G>A on transcript NM_001036.6 (MANE Select); coding-DNA position 962, G replaced by A.
Protein change: p.Arg321Gln; replaces arginine 321 with glutamine.
Molecular consequence: missense variant.
Genome position (GRCh38, 1-based): chr15:33,550,306, G>A. VCF-style: chr15-33550306-G-A. GRCh37 (hg19) VCF-style: chr15-33842507-G-A.
Other names: c.962G>A, p.Arg321Gln (NM_001243996.4); c.962G>A (NM_001036.3); short protein forms R321Q.
Identifiers: ClinVar variation 579964 (VCV000579964.9), dbSNP rs780970109, ClinGen allele CA391562675.
Genomic context (GRCh38, chr15:33,550,306, plus strand): 5'-AAGGCCTTATACTGCAAGACCGGGCAAAGTCAGACACCAAGTCCACAGCTTTCTCTTTCC[G>A]GGCATCAAAGGTAAGGTGTGATAAAGTGGACTTTGACCCTGTTCTAAAAGTGAAAACTCA-3'
Protein context (NP_001027.3, residues 311-331): SDTKSTAFSF[Arg321Gln]ASKELKEKLD

ClinVar aggregate classification (germline): Uncertain significance. Review status: criteria provided, multiple submitters, no conflicts (2 of 4 stars). 2 submissions from 2 submitters: Uncertain significance (2). Last evaluated 2025-01-06.

Conditions:
Epileptic encephalopathy. Identifiers: MedGen C0543888, HP:0200134.

Allele frequency attached by ClinVar (database versions not stated): TOPMed 0.00001.
gnomAD v4.1: 44 of 1,612,614 alleles (0.0027%); highest among the groups gnomAD compares: Non-Finnish European, 0.0036%; no homozygotes.

Submissions (2):

Labcorp Genetics (formerly Invitae), Labcorp
Classification: Uncertain significance for Epileptic encephalopathy. Last evaluated: 2025-01-06. Review status: criteria provided, single submitter. Criteria: Invitae Variant Classification Sherloc (09022015). Collection method: clinical testing. Allele origin: germline.
Comment: This sequence change replaces arginine, which is basic and polar, with glutamine, which is neutral and polar, at codon 321 of the RYR3 protein (p.Arg321Gln). This variant is present in population databases (no rsID available, gnomAD 0.006%). This variant has not been reported in the literature in individuals affected with RYR3-related conditions. ClinVar contains an entry for this variant (Variation ID: 579964). An algorithm developed to predict the effect of missense changes on protein structure and function (PolyPhen-2) suggests that this variant is likely to be disruptive. In summary, the available evidence is currently insufficient to determine the role of this variant in disease. Therefore, it has been classified as a Variant of Uncertain Significance.

Ambry Genetics
Classification: Uncertain significance. Last evaluated: 2025-01-03. Review status: criteria provided, single submitter. Criteria: Ambry Variant Classification Scheme 2023. Collection method: clinical testing. Allele origin: germline.